The following is an entry in ClinVar:

ClinVar aggregate classification (germline): Uncertain significance (1 of 4 stars; one submission).

Conditions:
DPM3-congenital disorder of glycosylation (MDDGC15). Also called: DPM3-CDG; CDG Io; CDG1(DPM3); MUSCULAR DYSTROPHY-DYSTROGLYCANOPATHY (LIMB-GIRDLE), TYPE C, 15. Identifiers: Orphanet 263494, MedGen C2752007, MONDO:0013049, OMIM 612937.

Submission:

Labcorp Genetics (formerly Invitae), Labcorp
Classification: Uncertain significance for DPM3-congenital disorder of glycosylation. Last evaluated: 2019-09-07. Review status: criteria provided, single submitter. Criteria: Invitae Variant Classification Sherloc (09022015). Collection method: clinical testing. Allele origin: germline.
Comment: This variant results in a copy number gain of the genomic region encompassing the full coding sequence of the DPM3 gene. The boundaries of this event are unknown as they extend beyond the assayed region for this gene and therefore may encompass additional genes. As the precise location of this event is unknown, it may be in tandem or it may be located elsewhere in the genome. This variant has not been reported in the literature in individuals with DPM3-related conditions. In summary, the available evidence is currently insufficient to determine the role of this variant in disease. Therefore, it has been classified as a Variant of Uncertain Significance.

NC_000001.11:g.(?_155139952)_(155140340_?)dup

Gene: DPM3 (dolichyl-phosphate mannosyltransferase subunit 3, regulatory; minus strand). Cytogenetic location: 1q22.
Variant type: Duplication.
Identifiers: ClinVar variation 832159 (VCV000832159.3).